The following is an entry in ClinVar:

NM_016239.4(MYO15A):c.10193A>T (p.His3398Leu)

Gene: MYO15A (myosin XVA; plus strand). Cytogenetic location: 17p11.2.
Variant type: single nucleotide variant.
Coding change: c.10193A>T on transcript NM_016239.4 (MANE Select); coding-DNA position 10193, A replaced by T.
Protein change: p.His3398Leu; replaces histidine 3398 with leucine.
Molecular consequence: missense variant.
Genome position (GRCh38, 1-based): chr17:18,171,748, A>T. VCF-style: chr17-18171748-A-T. GRCh37 (hg19) VCF-style: chr17-18075062-A-T.
Other names: short protein forms H3398L.
Identifiers: ClinVar variation 1511015 (VCV001511015.3), dbSNP rs1034282820, ClinGen allele CA288422212.

ClinVar aggregate classification (germline): Uncertain significance (1 of 4 stars; one submission).

Allele frequency attached by ClinVar (database versions not stated): TOPMed below 0.00001; gnomAD 0.00001; gnomAD exomes 0.00001.
gnomAD v4.1: 25 of 1,611,090 alleles (0.0016%); highest among the groups gnomAD compares: Non-Finnish European, 0.002%; no homozygotes.

Submission:

Labcorp Genetics (formerly Invitae), Labcorp
Classification: Uncertain significance. Last evaluated: 2021-10-14. Review status: criteria provided, single submitter. Criteria: Invitae Variant Classification Sherloc (09022015). Collection method: clinical testing. Allele origin: germline.
Comment: This sequence change replaces histidine with leucine at codon 3398 of the MYO15A protein (p.His3398Leu). The histidine residue is highly conserved and there is a moderate physicochemical difference between histidine and leucine. This variant is not present in population databases (ExAC no frequency). This variant has not been reported in the literature in individuals affected with MYO15A-related conditions. Algorithms developed to predict the effect of missense changes on protein structure and function are either unavailable or do not agree on the potential impact of this missense change (SIFT: "Deleterious"; PolyPhen-2: "Not Available"; Align-GVGD: "Class C65"). In summary, the available evidence is currently insufficient to determine the role of this variant in disease. Therefore, it has been classified as a Variant of Uncertain Significance.